The following is an entry in ClinVar:

ClinVar aggregate classification (germline): Uncertain significance (1 of 4 stars; one submission).

Submission:

Ambry Genetics
Classification: Uncertain significance. Last evaluated: 2025-02-05. Review status: criteria provided, single submitter. Criteria: Ambry Variant Classification Scheme 2023. Collection method: clinical testing. Allele origin: germline.
Comment: The p.P367A variant (also known as c.1099C>G), located in coding exon 6 of the GFI1 gene, results from a C to G substitution at nucleotide position 1099. The proline at codon 367 is replaced by alanine, an amino acid with highly similar properties. This amino acid position is conserved. In addition, the in silico prediction for this alteration is inconclusive. Based on the available evidence, the clinical significance of this variant remains unclear.

NM_005263.5(GFI1):c.1099C>G (p.Pro367Ala)

Genes: GFI1 (growth factor independent 1 transcriptional repressor; minus strand), LOC129930930 (ATAC-STARR-seq lymphoblastoid active region 1314; plus strand). Cytogenetic location: 1p22.1.
Variant type: single nucleotide variant.
Coding change: c.1099C>G on transcript NM_005263.5 (MANE Select); coding-DNA position 1099, C replaced by G.
Protein change: p.Pro367Ala; replaces proline 367 with alanine.
Molecular consequence: missense variant.
Genome position (GRCh38, 1-based): chr1:92,476,199, G>C on the plus strand (C>G on the coding strand, the complement: GFI1 is on the minus strand). VCF-style: chr1-92476199-G-C. GRCh37 (hg19) VCF-style: chr1-92941756-G-C.
Other names: c.1099C>G, p.Pro367Ala (NM_001127215.3, NM_001127216.3); short protein forms P367A.
Identifiers: ClinVar variation 3853713 (VCV003853713.1).
Genomic context (GRCh38, chr1:92,476,199, plus strand): 5'-TGTGGGTGATGAGGTTGGAGCTCTGGCTGAATGCCTTGCCGCACACCTGGCACTTGTGAG[G>C]CTTCTCACCTGTGGGGATGGGAGGGGGAGGGGAGAAAGTATGAGTCTATGATAAAGCTAG-3'
Protein context (NP_005254.2, residues 357-377): KHTFIHTGEK[Pro367Ala]HKCQVCGKAF